The following is an entry in ClinVar:

NM_006258.4(PRKG1):c.763-283A>G

Gene: PRKG1 (protein kinase cGMP-dependent 1; plus strand). Cytogenetic location: 10q21.1.
Variant type: single nucleotide variant.
Coding change: c.763-283A>G on transcript NM_006258.4 (MANE Select); 283 bases into the intron before coding-DNA position 763, A replaced by G.
Molecular consequence: intron variant.
Genome position (GRCh38, 1-based): chr10:52,054,201, A>G. VCF-style: chr10-52054201-A-G. GRCh37 (hg19) VCF-style: chr10-53813961-A-G.
Other names: c.718-283A>G (NM_001098512.3).
Identifiers: ClinVar variation 673309 (VCV000673309.1), dbSNP rs143782674, ClinGen allele CA207375901.

ClinVar aggregate classification (germline): Likely benign (1 of 4 stars; one submission).

Allele frequency attached by ClinVar (database versions not stated): gnomAD 0.01130 and 0.01224; 1000 Genomes Project 0.01178; 1000 Genomes Project 30x 0.01218; TOPMed 0.01292.
gnomAD v4.1: 1,714 of 152,344 alleles (1.1%); highest among the groups gnomAD compares: African/African-American, 3.8%; 42 homozygotes.

Submission:

GeneDx
Classification: Likely benign. Last evaluated: 2018-06-14. Review status: criteria provided, single submitter. Criteria: GeneDx Variant Classification (06012015). Collection method: clinical testing. Allele origin: germline. Affected: yes.
Comment: This variant is considered likely benign or benign based on one or more of the following criteria: it is a conservative change, it occurs at a poorly conserved position in the protein, it is predicted to be benign by multiple in silico algorithms, and/or has population frequency not consistent with disease.